The following is an entry in ClinVar:

ClinVar aggregate classification (germline): Uncertain significance (1 of 4 stars; one submission).

Conditions:
Inborn genetic diseases. Identifiers: MedGen C0950123, MeSH D030342.

Submission:

Ambry Genetics
Classification: Uncertain significance for Inborn genetic diseases. Last evaluated: 2022-01-30. Review status: criteria provided, single submitter. Criteria: Ambry Variant Classification Scheme 2023. Collection method: clinical testing. Allele origin: germline.
Comment: The p.R437G variant (also known as c.1309C>G), located in coding exon 3 of the NEFL gene, results from a C to G substitution at nucleotide position 1309. The arginine at codon 437 is replaced by glycine, an amino acid with dissimilar properties. This amino acid position is conserved. In addition, this alteration is predicted to be deleterious by in silico analysis. Since supporting evidence is limited at this time, the clinical significance of this alteration remains unclear.

NM_006158.5(NEFL):c.1309C>G (p.Arg437Gly)

Gene: NEFL (neurofilament light chain; minus strand). Cytogenetic location: 8p21.2.
Variant type: single nucleotide variant.
Coding change: c.1309C>G on transcript NM_006158.5 (MANE Select); coding-DNA position 1309, C replaced by G.
Protein change: p.Arg437Gly; replaces arginine 437 with glycine.
Molecular consequence: missense variant.
Genome position (GRCh38, 1-based): chr8:24,953,656, G>C on the plus strand (C>G on the coding strand, the complement: NEFL is on the minus strand). VCF-style: chr8-24953656-G-C. GRCh37 (hg19) VCF-style: chr8-24811170-G-C.
Other names: short protein forms R437G.
Identifiers: ClinVar variation 1769593 (VCV001769593.2), dbSNP rs1231546543, ClinGen allele CA370620210.